The following is an entry in ClinVar:

NC_000001.10:g.(?_19199339)_(24690861_?)dup

Genes: PLA2G2A (phospholipase A2 group IIA; minus strand), LDLRAD2 (low density lipoprotein receptor class A domain containing 2; plus strand), AKR7A3 (aldo-keto reductase family 7 member A3; minus strand), CAPZB (capping actin protein of muscle Z-line subunit beta; minus strand), TCEA3 (transcription elongation factor A3; minus strand) and 74 more. Cytogenetic location: 1p36.13-36.11.
Variant type: Duplication.
Identifiers: ClinVar variation 2422561 (VCV002422561.4).

ClinVar aggregate classification (germline): Uncertain significance (1 of 4 stars; one submission).

Conditions:
Deficiency of hydroxymethylglutaryl-CoA lyase (HMGCLD). Also called: Defect in leucine metabolism; 3-hydroxy-3-methylglutaric aciduria; HMGCL DEFICIENCY; HYDROXYMETHYLGLUTARIC ACIDURIA; HMG-CoA LYASE DEFICIENCY. Identifiers: Orphanet 20, MedGen C1533587, MONDO:0009520, OMIM 246450.

Submission:

Labcorp Genetics (formerly Invitae), Labcorp
Classification: Uncertain significance for Deficiency of hydroxymethylglutaryl-CoA lyase. Last evaluated: 2022-03-22. Review status: criteria provided, single submitter. Criteria: Invitae Variant Classification Sherloc (09022015). Collection method: clinical testing. Allele origin: germline.
Comment: A copy number gain of the genomic region encompassing the full coding sequence of the HMGCL gene has been identified. The boundaries of this event are unknown as they extend beyond the assayed region for this gene and therefore may encompass additional genes. As the precise location of this event is unknown, it may be in tandem or it may be located elsewhere in the genome. This variant has not been reported in the literature in individuals affected with HMGCL-related conditions. In summary, the available evidence is currently insufficient to determine the role of this variant in disease. Therefore, it has been classified as a Variant of Uncertain Significance.